The following is an entry in ClinVar:

ClinVar aggregate classification (germline): Uncertain significance (1 of 4 stars; one submission).

Submission:

Labcorp Genetics (formerly Invitae), Labcorp
Classification: Uncertain significance. Last evaluated: 2021-01-14. Review status: criteria provided, single submitter. Criteria: Invitae Variant Classification Sherloc (09022015). Collection method: clinical testing. Allele origin: germline.
Comment: This sequence change replaces glycine with aspartic acid at codon 2553 of the EYS protein (p.Gly2553Asp). The glycine residue is highly conserved and there is a moderate physicochemical difference between glycine and aspartic acid. This variant is not present in population databases (ExAC no frequency). In summary, the available evidence is currently insufficient to determine the role of this variant in disease. Therefore, it has been classified as a Variant of Uncertain Significance. Algorithms developed to predict the effect of missense changes on protein structure and function (SIFT, PolyPhen-2, Align-GVGD) all suggest that this variant is likely to be disruptive, but these predictions have not been confirmed by published functional studies and their clinical significance is uncertain. This variant has not been reported in the literature in individuals with EYS-related conditions.

NM_001142800.2(EYS):c.7658G>A (p.Gly2553Asp)

Gene: EYS (EGF-like photoreceptor maintenance factor; minus strand). Cytogenetic location: 6q12.
Variant type: single nucleotide variant.
Coding change: c.7658G>A on transcript NM_001142800.2 (MANE Select); coding-DNA position 7658, G replaced by A.
Protein change: p.Gly2553Asp; replaces glycine 2553 with aspartic acid.
Molecular consequence: missense variant.
Genome position (GRCh38, 1-based): chr6:63,788,170, C>T on the plus strand (G>A on the coding strand, the complement: EYS is on the minus strand). VCF-style: chr6-63788170-C-T. GRCh37 (hg19) VCF-style: chr6-64498063-C-T.
Other names: c.7658G>A, p.Gly2553Asp (NM_001292009.2); short protein forms G2553D.
Identifiers: ClinVar variation 1387905 (VCV001387905.8), dbSNP rs2149670360, ClinGen allele CA364385023.
Genomic context (GRCh38, chr6:63,788,170, plus strand): 5'-AAACCATTTTTAAAATCTGCTCCATTTGGTAAGAGATCTGGAGTGTATTCACTGTAGCCA[C>T]CTACATAAAACTGACTGAAGACATTGAGACCAACCAGTCTTCCTGGGGCGATAATGGATT-3'
Protein context (NP_001136272.1, residues 2543-2563): GLNVFSQFYV[Gly2553Asp]GYSEYTPDLL